The following is an entry in ClinVar:

NM_000089.4(COL1A2):c.1448C>A (p.Ala483Asp)

Gene: COL1A2 (collagen type I alpha 2 chain; plus strand). Cytogenetic location: 7q21.3.
Variant type: single nucleotide variant.
Coding change: c.1448C>A on transcript NM_000089.4 (MANE Select); coding-DNA position 1448, C replaced by A.
Protein change: p.Ala483Asp; replaces alanine 483 with aspartic acid.
Molecular consequence: missense variant.
Genome position (GRCh38, 1-based): chr7:94,412,627, C>A. VCF-style: chr7-94412627-C-A. GRCh37 (hg19) VCF-style: chr7-94041939-C-A.
Other names: short protein forms A483D.
Identifiers: ClinVar variation 1390970 (VCV001390970.8), dbSNP rs414408, ClinGen allele CA4347067.

ClinVar aggregate classification (germline): Uncertain significance (1 of 4 stars; one submission).

Conditions:
Ehlers-Danlos syndrome, classic type, 1 (EDSCL1). Also called: EHLERS-DANLOS SYNDROME, GRAVIS TYPE; EHLERS-DANLOS SYNDROME, SEVERE CLASSIC TYPE; Ehlers-Danlos syndrome, type 1; Ehlers-Danlos Syndrome, Classic Type, COL5A1-Related; EDS I. Identifiers: MedGen C0268335, MONDO:0019567, OMIM 130000.
Osteogenesis imperfecta type I (OI1). Also called: OI, TYPE I; OSTEOGENESIS IMPERFECTA TARDA; OSTEOGENESIS IMPERFECTA WITH BLUE SCLERAE; Osteogenesis imperfecta type 1; Lobstein's Disease; Lobstein disease. Identifiers: Orphanet 216796, Orphanet 666, MedGen C0023931, MONDO:0008146, OMIM 166200. Disease mechanism: loss of function.

Allele frequency attached by ClinVar (database versions not stated): gnomAD exomes below 0.00001; ESP Exome Variant Server 0.00015; ExAC 0.00002; gnomAD 0.00004; TOPMed 0.00005.
gnomAD v4.1: 9 of 1,614,008 alleles (0.00056%); highest among the groups gnomAD compares: African/African-American, 0.011%; no homozygotes.

Submission:

Labcorp Genetics (formerly Invitae), Labcorp
Classification: Uncertain significance for Osteogenesis imperfecta type I; Ehlers-Danlos syndrome, classic type, 1. Last evaluated: 2024-02-17. Review status: criteria provided, single submitter. Criteria: Invitae Variant Classification Sherloc (09022015). Collection method: clinical testing. Allele origin: germline.
Comment: This sequence change replaces alanine, which is neutral and non-polar, with aspartic acid, which is acidic and polar, at codon 483 of the COL1A2 protein (p.Ala483Asp). This variant is present in population databases (rs414408, gnomAD 0.02%). This variant has not been reported in the literature in individuals affected with COL1A2-related conditions. ClinVar contains an entry for this variant (Variation ID: 1390970). Advanced modeling of protein sequence and biophysical properties (such as structural, functional, and spatial information, amino acid conservation, physicochemical variation, residue mobility, and thermodynamic stability) has been performed at Invitae for this missense variant, however the output from this modeling did not meet the statistical confidence thresholds required to predict the impact of this variant on COL1A2 protein function. In summary, the available evidence is currently insufficient to determine the role of this variant in disease. Therefore, it has been classified as a Variant of Uncertain Significance.